The following is an entry in ClinVar:

ClinVar aggregate classification (germline): Uncertain significance (1 of 4 stars; one submission).

Conditions:
Hyperekplexia 3 (HKPX3). Also called: HYPEREKPLEXIA 3, AUTOSOMAL RECESSIVE; HYPEREKPLEXIA 3, AUTOSOMAL DOMINANT. Identifiers: Orphanet 3197, MedGen C3553288, MONDO:0013827, OMIM 614618.

Allele frequency attached by ClinVar (database versions not stated): ExAC 0.00005; ESP Exome Variant Server 0.00008.
gnomAD v4.1: 19 of 1,614,142 alleles (0.0012%); highest among the groups gnomAD compares: Admixed American, 0.0033%; no homozygotes.

Submission:

Labcorp Genetics (formerly Invitae), Labcorp
Classification: Uncertain significance for Hyperekplexia 3. Last evaluated: 2022-09-01. Review status: criteria provided, single submitter. Criteria: Invitae Variant Classification Sherloc (09022015). Collection method: clinical testing. Allele origin: germline.
Comment: In summary, the available evidence is currently insufficient to determine the role of this variant in disease. Therefore, it has been classified as a Variant of Uncertain Significance. Algorithms developed to predict the effect of sequence changes on RNA splicing suggest that this variant may create or strengthen a splice site. Advanced modeling of protein sequence and biophysical properties (such as structural, functional, and spatial information, amino acid conservation, physicochemical variation, residue mobility, and thermodynamic stability) performed at Invitae indicates that this missense variant is not expected to disrupt SLC6A5 protein function. ClinVar contains an entry for this variant (Variation ID: 1523091). This variant has not been reported in the literature in individuals affected with SLC6A5-related conditions. This variant is present in population databases (rs143730018, gnomAD 0.004%). This sequence change replaces threonine, which is neutral and polar, with serine, which is neutral and polar, at codon 508 of the SLC6A5 protein (p.Thr508Ser).

NM_004211.5(SLC6A5):c.1523C>G (p.Thr508Ser)

Gene: SLC6A5 (solute carrier family 6 member 5; plus strand). Cytogenetic location: 11p15.1.
Variant type: single nucleotide variant.
Coding change: c.1523C>G on transcript NM_004211.5 (MANE Select); coding-DNA position 1523, C replaced by G.
Protein change: p.Thr508Ser; replaces threonine 508 with serine.
Molecular consequence: missense variant.
Genome position (GRCh38, 1-based): chr11:20,630,714, C>G. VCF-style: chr11-20630714-C-G. GRCh37 (hg19) VCF-style: chr11-20652260-C-G.
Other names: c.821C>G, p.Thr274Ser (NM_001318369.2); short protein forms T274S, T508S.
Identifiers: ClinVar variation 1523091 (VCV001523091.6), dbSNP rs143730018, ClinGen allele CA5921493.